The following is an entry in ClinVar:

NM_006767.4(LZTR1):c.1790del (p.His597fs)

Gene: LZTR1 (leucine zipper like post translational regulator 1; plus strand). Cytogenetic location: 22q11.21.
Variant type: Deletion.
Coding change: c.1790del on transcript NM_006767.4 (MANE Select); coding-DNA position 1790, one base deleted (A; older notation c.1790delA).
Protein change: p.His597fs; shifts the reading frame from histidine 597.
Molecular consequence: frameshift variant.
Genome position (GRCh38, 1-based): chr22:20,994,874, A deleted. VCF-style (leftmost placement, unchanged base first): chr22-20994873-CA-C. GRCh37 (hg19) VCF-style: chr22-21349162-CA-C.
Other names: short protein forms H597fs.
Identifiers: ClinVar variation 4101893 (VCV004101893.1).

ClinVar aggregate classification (germline): Pathogenic (1 of 4 stars; one submission).

Conditions:
Cardiovascular phenotype. Identifiers: MedGen CN230736.
Hereditary cancer-predisposing syndrome. Also called: Tumor predisposition; Neoplastic Syndromes, Hereditary; Hereditary neoplastic syndrome; Hereditary Cancer Syndrome. Identifiers: Orphanet 140162, MedGen C0027672, MeSH D009386, MONDO:0015356.

Submission:

Ambry Genetics
Classification: Pathogenic for Cardiovascular phenotype; Hereditary cancer-predisposing syndrome. Last evaluated: 2025-07-24. Review status: criteria provided, single submitter. Criteria: Ambry Variant Classification Scheme 2023. Collection method: clinical testing. Allele origin: germline.
Comment: The c.1790delA pathogenic mutation, located in coding exon 16 of the LZTR1 gene, results from a deletion of one nucleotide at nucleotide position 1790, causing a translational frameshift with a predicted alternate stop codon (p.H597Pfs*3). This variant is considered to be rare based on population cohorts in the Genome Aggregation Database (gnomAD). This alteration is expected to result in loss of function by premature protein truncation or nonsense-mediated mRNA decay. Loss-of-function variants in LZTR1 are related to an increased risk for schwannomas and autosomal recessive Noonan syndrome; however, such associations with autosomal dominant Noonan syndrome have not been observed (Piotrowski A et al. Nat Genet. 2014 Feb;46:182-7; Yamamoto GL et al. J Med Genet. 2015 Jun;52:413-21; Johnston JJ et al. Genet Med. 2018 10;20:1175-1185). Based on the supporting evidence, this variant is pathogenic for an increased risk of LZTR1-related schwannomatosis (SWN) and would be expected to cause autosomal recessive Noonan syndrome when present along with a second pathogenic or likely pathogenic variant on the other allele; however, the association of this alteration with autosomal dominant Noonan syndrome is unlikely.